The following is an entry in ClinVar:

ClinVar aggregate classification (germline): Uncertain significance (1 of 4 stars; one submission).

gnomAD v4.1: 2 of 1,613,716 alleles (0.00012%); highest among the groups gnomAD compares: Non-Finnish European, 0.00017%; no homozygotes.

Submission:

Ambry Genetics
Classification: Uncertain significance. Last evaluated: 2022-02-01. Review status: criteria provided, single submitter. Criteria: Ambry Variant Classification Scheme 2023. Collection method: clinical testing. Allele origin: germline.
Comment: The p.I1259K variant (also known as c.3776T>A), located in coding exon 16 of the POLQ gene, results from a T to A substitution at nucleotide position 3776. The isoleucine at codon 1259 is replaced by lysine, an amino acid with dissimilar properties. This amino acid position is conserved. In addition, this alteration is predicted to be tolerated by in silico analysis. Since supporting evidence is limited at this time, the clinical significance of this alteration remains unclear.

NM_199420.4(POLQ):c.3776T>A (p.Ile1259Lys)

Gene: POLQ (DNA polymerase theta; minus strand). Cytogenetic location: 3q13.33.
Variant type: single nucleotide variant.
Coding change: c.3776T>A on transcript NM_199420.4 (MANE Select); coding-DNA position 3776, T replaced by A.
Protein change: p.Ile1259Lys; replaces isoleucine 1259 with lysine.
Molecular consequence: missense variant.
Genome position (GRCh38, 1-based): chr3:121,489,155, A>T on the plus strand (T>A on the coding strand, the complement: POLQ is on the minus strand). VCF-style: chr3-121489155-A-T. GRCh37 (hg19) VCF-style: chr3-121208002-A-T.
Other names: short protein forms I1259K.
Identifiers: ClinVar variation 1734801 (VCV001734801.2), dbSNP rs1357369838, ClinGen allele CA354097341.
Genomic context (GRCh38, chr3:121,489,155, plus strand): 5'-TCTGATTTGCTAAATGCTCCAGCTGATGGAAGTACTTCACTGGGTATCACAGTTCTGCTT[A>T]TATCATCTCCTAATGCCTGAAAATGACTTGGTTTATTTTCCTCTGTATTAAGCTTTATCC-3'
Protein context (NP_955452.3, residues 1249-1269): PSHFQALGDD[Ile1259Lys]SRTVIPSEVL